The following is an entry in ClinVar:

NM_001382567.1(STIM1):c.139+6G>A

Gene: STIM1 (stromal interaction molecule 1; plus strand). Cytogenetic location: 11p15.4.
Variant type: single nucleotide variant.
Coding change: c.139+6G>A on transcript NM_001382567.1 (MANE Select); 6 bases into the intron after coding-DNA position 139, G replaced by A.
Molecular consequence: intron variant.
Genome position (GRCh38, 1-based): chr11:3,856,415, G>A. VCF-style: chr11-3856415-G-A. GRCh37 (hg19) VCF-style: chr11-3877645-G-A.
Other names: c.-84+1679G>A (NM_001382578.1, NM_001382575.1, NM_001382574.1); c.-220+1679G>A (NM_001382580.1, NM_001382581.1); c.-84+1761G>A (NM_001382576.1); c.-84+999G>A (NM_001382566.1, NM_001382579.1, NM_001382577.1 and 1 more transcripts); c.139+6G>A (NM_001382568.1, NM_001277962.2, NM_003156.4 and 3 more transcripts); c.135+6G>A (NM_001382569.1); c.-99+6G>A (NM_001382571.1).
Identifiers: ClinVar variation 530882 (VCV000530882.12), dbSNP rs200233935, ClinGen allele CA5830128.

ClinVar aggregate classification (germline): Likely benign. Review status: criteria provided, multiple submitters, no conflicts (2 of 4 stars). 2 submissions from 2 submitters: Likely benign (2). Last evaluated 2026-04-09.

Conditions:
STIM1-related disorder. Also called: STIM1-related condition.
Myopathy with tubular aggregates (TAM). Also called: Tubular Aggregate Myopathy. Identifiers: Orphanet 2593, MedGen C0410207, MONDO:0008051.
Combined immunodeficiency due to STIM1 deficiency. Also called: STIM1 DEFICIENCY; IMMUNODEFICIENCY 10. Identifiers: Orphanet 169090, Orphanet 317430, MedGen C2748557, MONDO:0013008, OMIM 612783.
Stormorken syndrome (STRMK). Also called: THROMBOCYTOPATHY, ASPLENIA, AND MIOSIS. Identifiers: Orphanet 3204, MedGen C1861451, MONDO:0008497, OMIM 185070.

Allele frequency attached by ClinVar (database versions not stated): gnomAD exomes 0.00003 and 0.00016; gnomAD 0.00006 and 0.00007; TOPMed 0.00011; ExAC 0.00013; 1000 Genomes Project 0.00020; 1000 Genomes Project 30x 0.00031.
gnomAD v4.1: 58 of 1,613,496 alleles (0.0036%); highest among the groups gnomAD compares: East Asian, 0.12%; no homozygotes.

Submissions (2):

PreventionGenetics, part of Exact Sciences
Classification: Likely benign for STIM1-related condition. Last evaluated: 2026-04-09. Review status: criteria provided, single submitter. Criteria: ACMG Guidelines, 2015. Collection method: clinical testing. Allele origin: germline.
Comment: This variant is classified as likely benign based on ACMG/AMP sequence variant interpretation guidelines (Richards et al. 2015 PMID: 25741868, with internal and published modifications).

Labcorp Genetics (formerly Invitae), Labcorp
Classification: Likely benign for Myopathy with tubular aggregates; Combined immunodeficiency due to STIM1 deficiency; Stormorken syndrome. Last evaluated: 2025-10-17. Review status: criteria provided, single submitter. Criteria: Invitae Variant Classification Sherloc (09022015). Collection method: clinical testing. Allele origin: germline.